The following is an entry in ClinVar:

NM_004380.3(CREBBP):c.5090C>T (p.Thr1697Ile)

Gene: CREBBP (CREB binding protein; minus strand). Cytogenetic location: 16p13.3.
Variant type: single nucleotide variant.
Coding change: c.5090C>T on transcript NM_004380.3 (MANE Select); coding-DNA position 5090, C replaced by T.
Protein change: p.Thr1697Ile; replaces threonine 1697 with isoleucine.
Molecular consequence: missense variant.
Genome position (GRCh38, 1-based): chr16:3,731,274, G>A on the plus strand (C>T on the coding strand, the complement: CREBBP is on the minus strand). VCF-style: chr16-3731274-G-A. GRCh37 (hg19) VCF-style: chr16-3781275-G-A.
Other names: c.4976C>T, p.Thr1659Ile (NM_001079846.1); short protein forms T1659I, T1697I.
Identifiers: ClinVar variation 2505662 (VCV002505662.1), dbSNP rs1273951365, ClinGen allele CA394558324.

ClinVar aggregate classification (germline): Uncertain significance (1 of 4 stars; one submission).

Allele frequency attached by ClinVar (database versions not stated): gnomAD exomes below 0.00001.

Submission:

GeneDx
Classification: Uncertain significance. Last evaluated: 2022-12-19. Review status: criteria provided, single submitter. Criteria: GeneDx Variant Classification Process June 2021. Collection method: clinical testing. Allele origin: germline. Affected: yes.
Comment: Not observed at significant frequency in large population cohorts (gnomAD); In silico analysis supports that this missense variant has a deleterious effect on protein structure/function; Has not been previously published as pathogenic or benign to our knowledge; This variant is associated with the following publications: (PMID: 12070251)